The following is an entry in ClinVar:

NM_153700.2(STRC):c.64+1G>A

Gene: STRC (stereocilin; minus strand). Cytogenetic location: 15q15.3.
Variant type: single nucleotide variant.
Coding change: c.64+1G>A on transcript NM_153700.2 (MANE Select); the canonical splice donor site of the intron after coding-DNA position 64, G replaced by A.
Molecular consequence: splice donor variant.
Genome position (GRCh38, 1-based): chr15:43,618,658, C>T on the plus strand (G>A on the coding strand, the complement: STRC is on the minus strand). VCF-style: chr15-43618658-C-T. GRCh37 (hg19) VCF-style: chr15-43910856-C-T.
Identifiers: ClinVar variation 5000918 (VCV005000918.1).

ClinVar aggregate classification (germline): Uncertain significance (1 of 4 stars; one submission).

Conditions:
STRC-related disorder. Also called: STRC-related condition.

Submission:

PreventionGenetics, part of Exact Sciences
Classification: Uncertain significance for STRC-related condition. Last evaluated: 2024-10-08. Review status: criteria provided, single submitter. Criteria: ACMG Guidelines, 2015. Collection method: clinical testing. Allele origin: germline.
Comment: The STRC c.64+1G>A variant is predicted to disrupt the GT donor site and interfere with normal splicing. To our knowledge, this variant has not been reported in the literature or in a large population database (gnomAD), indicating this variant is rare. Although we suspect that this variant may be pathogenic, at this time, the clinical significance of this variant is uncertain due to the absence of conclusive functional and genetic evidence.